The following is an entry in ClinVar:

ClinVar aggregate classification (germline): Uncertain significance. Review status: criteria provided, multiple submitters, no conflicts (2 of 4 stars). 2 submissions from 2 submitters: Uncertain significance (2). Last evaluated 2025-11-24.

Submissions (2):

Labcorp Genetics (formerly Invitae), Labcorp
Classification: Uncertain significance. Last evaluated: 2025-11-24. Review status: criteria provided, single submitter. Criteria: Invitae Variant Classification Sherloc (09022015). Collection method: clinical testing. Allele origin: germline.
Comment: This sequence change replaces arginine, which is basic and polar, with glutamine, which is neutral and polar, at codon 318 of the GDF5 protein (p.Arg318Gln). This variant is present in population databases (rs201590447, gnomAD 0.02%). This variant has not been reported in the literature in individuals affected with GDF5-related conditions. Invitae Evidence Modeling of protein sequence and biophysical properties (such as structural, functional, and spatial information, amino acid conservation, physicochemical variation, residue mobility, and thermodynamic stability) indicates that this missense variant is not expected to disrupt GDF5 protein function with a negative predictive value of 80%. In summary, the available evidence is currently insufficient to determine the role of this variant in disease. Therefore, it has been classified as a Variant of Uncertain Significance.

Blueprint Genetics
Classification: Uncertain significance. Last evaluated: 2024-10-24. Review status: criteria provided, single submitter. Criteria: ACMG Guidelines, 2015. Collection method: clinical testing. Allele origin: germline.

NM_000557.5(GDF5):c.953G>A (p.Arg318Gln)

Genes: GDF5 (growth differentiation factor 5; minus strand), GDF5-AS1 (GDF5 antisense RNA 1; plus strand). Cytogenetic location: 20q11.22.
Variant type: single nucleotide variant.
Coding change: c.953G>A on transcript NM_000557.5 (MANE Select); coding-DNA position 953, G replaced by A.
Protein change: p.Arg318Gln; replaces arginine 318 with glutamine.
Molecular consequence: missense variant. On other transcripts: non-coding transcript variant (1).
Genome position (GRCh38, 1-based): chr20:35,434,462, C>T on the plus strand (G>A on the coding strand, the complement: GDF5 is on the minus strand). VCF-style: chr20-35434462-C-T. GRCh37 (hg19) VCF-style: chr20-34022260-C-T.
Other names: c.953G>A, p.Arg318Gln (NM_001319138.2); short protein forms R318Q.
Identifiers: ClinVar variation 4808014 (VCV004808014.2).